The following is an entry in ClinVar:

NM_024996.7(GFM1):c.1623_1624insG (p.Gln542fs)

Gene: GFM1 (G elongation factor mitochondrial 1; plus strand). Cytogenetic location: 3q25.32.
Variant type: Insertion.
Coding change: c.1623_1624insG on transcript NM_024996.7 (MANE Select); coding-DNA positions 1623 to 1624, G inserted.
Protein change: p.Gln542fs; shifts the reading frame from glutamine 542.
Molecular consequence: frameshift variant. On other transcripts: non-coding transcript variant (4).
Genome position: GRCh38 VCF-style: chr3-158682016-A-AG. GRCh37 (hg19) VCF-style: chr3-158399805-A-AG.
Other names: c.1680_1681insG, p.Gln561fs (NM_001308164.2); c.1623_1624insG, p.Gln542fs (NM_001308166.2); c.1542_1543insG, p.Gln515fs (NM_001374355.1); c.1506_1507insG, p.Gln503fs (NM_001374356.1); c.1398_1399insG, p.Gln467fs (NM_001374357.1); c.1164_1165insG, p.Gln389fs (NM_001374358.1); c.1056_1057insG, p.Gln353fs (NM_001374359.1, NM_001374360.1); c.939_940insG, p.Gln314fs (NM_001374361.1); short protein forms Q314fs, Q467fs, Q503fs, Q561fs, Q515fs, Q389fs, Q542fs, Q353fs.
Identifiers: ClinVar variation 2107539 (VCV002107539.4), dbSNP rs1725424733, ClinGen allele CA1414375543.

ClinVar aggregate classification (germline): Pathogenic (1 of 4 stars; one submission).

Allele frequency attached by ClinVar (database versions not stated): gnomAD exomes below 0.00001; TOPMed below 0.00001.

Submission:

Labcorp Genetics (formerly Invitae), Labcorp
Classification: Pathogenic. Last evaluated: 2022-03-18. Review status: criteria provided, single submitter. Criteria: Invitae Variant Classification Sherloc (09022015). Collection method: clinical testing. Allele origin: germline.
Comment: For these reasons, this variant has been classified as Pathogenic. This variant has not been reported in the literature in individuals affected with GFM1-related conditions. This variant is not present in population databases (gnomAD no frequency). This sequence change creates a premature translational stop signal (p.Gln542Alafs*25) in the GFM1 gene. It is expected to result in an absent or disrupted protein product. Loss-of-function variants in GFM1 are known to be pathogenic (PMID: 16632485, 17160893).

Literature cited by the submitters: PubMed 16632485; PubMed 17160893.